The following is an entry in ClinVar:

ClinVar aggregate classification (germline): Pathogenic (1 of 4 stars; one submission).

Conditions:
CHARGE syndrome (CHARGE). Also called: Hittner Hirsch Kreh syndrome; CHARGE ASSOCIATION--COLOBOMA, HEART ANOMALY, CHOANAL ATRESIA, RETARDATION, GENITAL AND EAR ANOMALIES; Coloboma, heart anomaly, choanal atresia, retardation, genital and ear anomalies; CHARGE association; Hall-Hittner syndrome. Identifiers: Orphanet 138, MedGen C0265354, MONDO:0008965.

Submission:

Labcorp Genetics (formerly Invitae), Labcorp
Classification: Pathogenic for CHARGE syndrome. Last evaluated: 2019-08-21. Review status: criteria provided, single submitter. Criteria: Invitae Variant Classification Sherloc (09022015). Collection method: clinical testing. Allele origin: germline.
Comment: This variant has been observed in individual(s) with clinical features of CHARGE syndrome (Invitae). In at least one individual the variant was observed to be de novo. This variant results in a copy number gain of the genomic region encompassing exons 2-34 of the CHD7 gene, which includes the initiator codon. The 5' end of this event is unknown as it extends beyond the assayed region for this gene and therefore may encompass additional genes. The 3' boundary is likely confined to intron 34 of the CHD7 gene. As the precise location of this event is unknown, it may be in tandem or it may be located elsewhere in the genome. For these reasons, this variant has been classified as Pathogenic.

NC_000008.11:g.(?_60741413)_(60856908_?)dup

Gene: CHD7 (chromodomain helicase DNA binding protein 7; plus strand). Cytogenetic location: 8q12.2.
Variant type: Duplication.
Identifiers: ClinVar variation 832837 (VCV000832837.7).